The following is an entry in ClinVar:

NM_177438.3(DICER1):c.4404T>A (p.Ser1468=)

Gene: DICER1 (dicer 1, ribonuclease III; minus strand). Cytogenetic location: 14q32.13.
Variant type: single nucleotide variant.
Coding change: c.4404T>A on transcript NM_177438.3 (MANE Select); coding-DNA position 4404, T replaced by A.
Protein change: p.Ser1468=; no amino-acid change (serine 1468 retained).
Molecular consequence: synonymous variant. On other transcripts: non-coding transcript variant (6).
Genome position (GRCh38, 1-based): chr14:95,096,516, A>T on the plus strand (T>A on the coding strand, the complement: DICER1 is on the minus strand). VCF-style: chr14-95096516-A-T. GRCh37 (hg19) VCF-style: chr14-95562853-A-T.
Other names: c.4404T>A, p.Ser1468= (NM_001195573.1, NM_001271282.3, NM_001291628.2 and 12 more transcripts); c.4122T>A, p.Ser1374= (NM_001395686.1); c.3999T>A, p.Ser1333= (NM_001395687.1, NM_001395688.1, NM_001395689.1 and 2 more transcripts); c.3837T>A, p.Ser1279= (NM_001395691.1); c.2721T>A, p.Ser907= (NM_001395697.1).
Identifiers: ClinVar variation 4875994 (VCV004875994.1).

ClinVar aggregate classification (germline): Benign (1 of 4 stars; one submission).

Conditions:
DICER1-related tumor predisposition. Also called: DICER1 syndrome; DICER1-related pleuropulmonary blastoma cancer predisposition syndrome. Identifiers: Orphanet 284343, MedGen C3839822, MONDO:0100216.

Submission:

Myriad Genetics, Inc.
Classification: Benign for DICER1-related tumor predisposition. Last evaluated: 2026-04-20. Review status: criteria provided, single submitter. Criteria: Myriad Autosomal Dominant, Autosomal Recessive and X-Linked Classification Criteria (2023). Collection method: clinical testing. Allele origin: unknown.
Comment: This variant is considered benign. This variant is a silent/synonymous amino acid change and it is not expected to impact splicing.